The following is an entry in ClinVar:

ClinVar aggregate classification (germline): Pathogenic (1 of 4 stars; one submission).

Submission:

GeneDx
Classification: Pathogenic. Last evaluated: 2026-06-04. Review status: criteria provided, single submitter. Criteria: GeneDx Variant Classification Process June 2021. Collection method: clinical testing. Allele origin: germline.
Comment: Not observed at significant frequency in large population cohorts (gnomAD); In silico analysis supports that this missense variant has a deleterious effect on protein structure/function; Has not been previously published as pathogenic or benign to our knowledge

NM_000719.7(CACNA1C):c.3994C>T (p.Arg1332Trp)

Gene: CACNA1C (calcium voltage-gated channel subunit alpha1 C; plus strand). Cytogenetic location: 12p13.33.
Variant type: single nucleotide variant.
Coding change: c.3994C>T on transcript NM_000719.7 (MANE Select); coding-DNA position 3994, C replaced by T.
Protein change: p.Arg1332Trp; replaces arginine 1332 with tryptophan.
Molecular consequence: missense variant.
Genome position (GRCh38, 1-based): chr12:2,651,688, C>T. VCF-style: chr12-2651688-C-T. GRCh37 (hg19) VCF-style: chr12-2760854-C-T.
Other names: c.3961C>T, p.Arg1321Trp (NM_001167625.2, NM_001129837.2, NM_001129838.2 and 1 more transcripts); c.4138C>T, p.Arg1380Trp (NM_199460.4, NM_001129827.2); c.4060C>T, p.Arg1354Trp (NM_001129829.2); c.3994C>T, p.Arg1332Trp (NM_001129830.3, NM_001129833.2, NM_001129834.2 and 7 more transcripts); c.4078C>T, p.Arg1360Trp (NM_001129831.2); c.4054C>T, p.Arg1352Trp (NM_001129832.2); c.4045C>T, p.Arg1349Trp (NM_001129836.2); c.3955C>T, p.Arg1319Trp (NM_001129839.2); and 1 more; short protein forms R1319W, R1321W, R1329W, R1332W, R1349W, R1352W, R1354W, R1360W.
Identifiers: ClinVar variation 4278773 (VCV004278773.2).
Genomic context (GRCh38, chr12:2,651,688, plus strand): 5'-GACGGGTTCCAGAACGCAGAGGAAAACTCCCGCATCTCCATCACCTTCTTCCGCCTGTTC[C>T]GGGTCATGCGTCTGGTGAAGCTGCTGAGCCGTGGGGAGGGCATCCGGACGCTGCTGTGGA-3'
Protein context (NP_000710.5, residues 1322-1342): RISITFFRLF[Arg1332Trp]VMRLVKLLSR